The following is an entry in ClinVar:

NM_001165963.4(SCN1A):c.3266G>A (p.Gly1089Asp)

Genes: SCN1A (sodium voltage-gated channel alpha subunit 1; minus strand), LOC102724058 (uncharacterized LOC102724058; plus strand). Cytogenetic location: 2q24.3.
Variant type: single nucleotide variant.
Coding change: c.3266G>A on transcript NM_001165963.4 (MANE Select); coding-DNA position 3266, G replaced by A.
Protein change: p.Gly1089Asp; replaces glycine 1089 with aspartic acid.
Molecular consequence: missense variant. On other transcripts: non-coding transcript variant (2).
Genome position (GRCh38, 1-based): chr2:166,036,211, C>T on the plus strand (G>A on the coding strand, the complement: SCN1A is on the minus strand). VCF-style: chr2-166036211-C-T. GRCh37 (hg19) VCF-style: chr2-166892721-C-T.
Other names: c.3233G>A, p.Gly1078Asp (NM_001353952.2, NM_006920.6, NM_001353949.2 and 2 more transcripts); c.3230G>A, p.Gly1077Asp (NM_001353954.2, NM_001353955.2); c.3182G>A, p.Gly1061Asp (NM_001353957.2, NM_001353958.2, NM_001165964.3); c.3179G>A, p.Gly1060Asp (NM_001353960.2); c.824G>A, p.Gly275Asp (NM_001353961.2); c.3266G>A, p.Gly1089Asp (NM_001202435.3, NM_001353948.2); short protein forms G1060D, G1061D, G1077D, G1078D, G1089D, G275D.
Identifiers: ClinVar variation 1699537 (VCV001699537.3), dbSNP rs2105794575, ClinGen allele CA349059442.
Genomic context (GRCh38, chr2:166,036,211, plus strand): 5'-GGGTTGTTTATGAATGACATGTAATCACTTTCATCAATAATGTATTTTTCAACACTGCTG[C>T]CAGTTCCTATACCACTTGTAGTTCCATTTACATCTTTAAGATAGTCAAGATCTTTCCCAA-3'
Protein context (NP_001159435.1, residues 1079-1099): VNGTTSGIGT[Gly1089Asp]SSVEKYIIDE

ClinVar aggregate classification (germline): Uncertain significance (1 of 4 stars; one submission).

Allele frequency attached by ClinVar (database versions not stated): gnomAD exomes 0.00001.
gnomAD v4.1: 8 of 1,613,946 alleles (0.0005%); highest among the groups gnomAD compares: Non-Finnish European, 0.00068%; no homozygotes.

Submission:

GeneDx
Classification: Uncertain significance. Last evaluated: 2024-08-19. Review status: criteria provided, single submitter. Criteria: GeneDx Variant Classification Process June 2021. Collection method: clinical testing. Allele origin: germline.
Comment: Not observed at significant frequency in large population cohorts (gnomAD); In silico analysis indicates that this missense variant does not alter protein structure/function; This substitution is predicted to be within the cytoplasmic loop between the second and third homologous domains; Has not been previously published as pathogenic or benign to our knowledge